The following is an entry in ClinVar:

NM_001999.4(FBN2):c.728T>C (p.Ile243Thr)

Gene: FBN2 (fibrillin 2; minus strand). Cytogenetic location: 5q23.3.
Variant type: single nucleotide variant.
Coding change: c.728T>C on transcript NM_001999.4 (MANE Select); coding-DNA position 728, T replaced by C.
Protein change: p.Ile243Thr; replaces isoleucine 243 with threonine.
Molecular consequence: missense variant.
Genome position (GRCh38, 1-based): chr5:128,464,822, A>G on the plus strand (T>C on the coding strand, the complement: FBN2 is on the minus strand). VCF-style: chr5-128464822-A-G. GRCh37 (hg19) VCF-style: chr5-127800515-A-G.
Other names: p.I243T:ATT>ACT; short protein forms I243T.
Identifiers: ClinVar variation 137358 (VCV000137358.70), dbSNP rs117524265, ClinGen allele CA303042.

ClinVar aggregate classification (germline): Benign/Likely benign. Review status: criteria provided, multiple submitters, no conflicts (2 of 4 stars). 18 submissions from 17 submitters: Benign (12); Likely benign (4). 2 of the submissions do not count toward it. Last evaluated 2026-08-01.

Conditions:
Connective tissue disorder. Also called: Connective tissue disease. Identifiers: MedGen C0009782, MONDO:0003900.
Ehlers-Danlos syndrome (EDS). Identifiers: Orphanet 98249, MedGen C0013720, MONDO:0020066.
Familial thoracic aortic aneurysm and aortic dissection (TAAD). Also called: Thoracic aortic aneurysms and dissections. Identifiers: Orphanet 91387, MedGen C4707243, MONDO:0019625.
Congenital contractural arachnodactyly (CCA). Also called: BEALS SYNDROME; Beals-Hecht syndrome; Arthrogryposis, distal, type 9. Identifiers: Orphanet 115, MedGen C0220668, MONDO:0007363, OMIM 121050.

Allele frequency attached by ClinVar (database versions not stated): ESP Exome Variant Server 0.00438; TOPMed 0.00655; gnomAD 0.00674 and 0.00741; gnomAD exomes 0.00793 and 0.00973; ExAC 0.00948; 1000 Genomes Project 30x 0.01140; 1000 Genomes Project 0.01398.
gnomAD v4.1: 12,848 of 1,614,250 alleles (0.8%); highest among the groups gnomAD compares: East Asian, 3.5%; 100 homozygotes.

Submissions (18):

CeGaT Center for Human Genetics Tuebingen
Classification: Benign. Last evaluated: 2026-08-01. Review status: criteria provided, single submitter. Criteria: CeGaT Center For Human Genetics Tuebingen Variant Classification Criteria Version 2. Collection method: clinical testing. Allele origin: germline. Affected: yes. Observed: 34 variant alleles.
Comment: FBN2: BS1, BS2

Labcorp Genetics (formerly Invitae), Labcorp
Classification: Benign for Congenital contractural arachnodactyly. Last evaluated: 2026-02-02. Review status: criteria provided, single submitter. Criteria: Invitae Variant Classification Sherloc (09022015). Collection method: clinical testing. Allele origin: germline.

ARUP Laboratories, Molecular Genetics and Genomics, ARUP Laboratories
Classification: Benign. Last evaluated: 2025-05-26. Review status: criteria provided, single submitter. Criteria: ARUP Molecular Germline Variant Investigation Process 2024. Collection method: clinical testing. Allele origin: germline.

Blueprint Genetics
Classification: Likely benign. Last evaluated: 2024-11-26. Review status: criteria provided, single submitter. Criteria: ACMG Guidelines, 2015. Collection method: clinical testing. Allele origin: germline.

Genome Diagnostics Laboratory, The Hospital for Sick Children
Classification: Benign for Ehlers-Danlos syndrome. Last evaluated: 2021-11-13. Review status: criteria provided, single submitter. Criteria: ACMG Guidelines, 2015. Collection method: clinical testing. Allele origin: germline.

Genome Diagnostics Laboratory, The Hospital for Sick Children
Classification: Benign for Connective tissue disorder. Last evaluated: 2021-08-04. Review status: criteria provided, single submitter. Criteria: ACMG Guidelines, 2015. Collection method: clinical testing. Allele origin: germline.

GeneDx
Classification: Benign. Last evaluated: 2021-02-10. Review status: criteria provided, single submitter. Criteria: GeneDx Variant Classification Process June 2021. Collection method: clinical testing. Allele origin: germline. Affected: yes.
Comment: This variant is associated with the following publications: (PMID: 16835936, 31426022)

Illumina Laboratory Services, Illumina
Classification: Benign for Congenital contractural arachnodactyly. Last evaluated: 2018-01-13. Review status: criteria provided, single submitter. Criteria: ICSL Variant Classification Criteria 13 December 2019. Collection method: clinical testing. Allele origin: germline.
Comment: This variant was observed in the ICSL laboratory as part of a predisposition screen in an ostensibly healthy population. It had not been previously curated by ICSL or reported in the Human Gene Mutation Database (HGMD: prior to June 1st, 2018), and was therefore a candidate for classification through an automated scoring system. Utilizing variant allele frequency, disease prevalence and penetrance estimates, and inheritance mode, an automated score was calculated to assess if this variant is too frequent to cause the disease. Based on the score and internal cut-off values, a variant classified as benign is not then subjected to further curation. The score for this variant resulted in a classification of benign for this disease.

Center for Pediatric Genomic Medicine, Children's Mercy Hospital and Clinics
Classification: Likely benign. Last evaluated: 2017-08-10. Review status: criteria provided, single submitter. Criteria: ACMG Guidelines, 2015. Collection method: clinical testing. Allele origin: germline.

Women's Health and Genetics/Laboratory Corporation of America, LabCorp
Classification: Benign. Last evaluated: 2017-03-29. Review status: criteria provided, single submitter. Criteria: LabCorp Variant Classification Summary - May 2015. Collection method: clinical testing. Allele origin: germline.
Comment: Variant summary: The FBN2 c.728T>C (p.Ile243Thr) variant involves the alteration of a conserved nucleotide, resulting in a missense substitution. The variant lies within a TB domain (InterPro) and 3/4 in silico tools predict a damaging outcome for this variant (SNPs&GO not captured due to low reliability index). This variant was found in the large control database ExAC at a frequency of 0.009478 (1150/121334 control chromosomes [18 homozygotes]), which is approximately 7582 times the estimated maximal expected allele frequency of a pathogenic FBN2 variant (0.0000013), suggesting this variant is likely a benign polymorphism. In a study of 49 Marfan syndrome or suspected Marfan syndrome patients where several disease-related genes were sequenced, including FBN2, the variant was detected and described as a polymorphism (Sakai_FBN1_AJMGA_2006). In addition, multiple clinical diagnostic laboratories/reputable databases classified this variant as benign. Taken together, this variant is classified as benign.

Center for Human Genetics, Inc
Classification: Likely benign for Connective tissue disorder. Last evaluated: 2016-11-01. Review status: criteria provided, single submitter. Criteria: ACMG Guidelines, 2015. Collection method: clinical testing. Allele origin: germline. Affected: yes.

Mayo Clinic Laboratories, Mayo Clinic
Classification: Benign. Last evaluated: 2016-05-03. Review status: criteria provided, single submitter. Criteria: ACMG Guidelines, 2015. Collection method: clinical testing. Allele origin: germline. Observed: 6 variant alleles.

Eurofins Ntd Llc (ga)
Classification: Benign. Last evaluated: 2015-05-20. Review status: criteria provided, single submitter. Criteria: EGL Classification Definitions 2015. Collection method: clinical testing. Allele origin: germline. Observed: 1 variant allele, 1 heterozygote.

Ambry Genetics
Classification: Benign for Familial thoracic aortic aneurysm and aortic dissection. Last evaluated: 2015-02-11. Review status: criteria provided, single submitter. Criteria: Ambry Variant Classification Scheme 2023. Collection method: clinical testing. Allele origin: germline.

Breakthrough Genomics
Classification: Likely benign. Review status: criteria provided, single submitter. Criteria: ACMG Guidelines, 2015. Collection method: not provided. Allele origin: germline. Inheritance: Autosomal dominant inheritance. Affected: yes.

PreventionGenetics, part of Exact Sciences
Classification: Benign. Review status: criteria provided, single submitter. Criteria: ACMG Guidelines, 2015. Collection method: clinical testing. Allele origin: germline.

Genome Diagnostics Laboratory, University Medical Center Utrecht
Classification: Benign. Review status: no assertion criteria provided. Collection method: clinical testing. Allele origin: germline. Affected: yes. Study: VKGL Data-share Consensus. Not counted in ClinVar's aggregate classification.

Laboratory of Diagnostic Genome Analysis, Leiden University Medical Center (LUMC)
Classification: Likely benign. Review status: no assertion criteria provided. Collection method: clinical testing. Allele origin: germline. Affected: yes. Study: VKGL Data-share Consensus. Not counted in ClinVar's aggregate classification.

Literature cited by the submitters: PubMed 16835936 (cited by Women's Health and Genetics/Laboratory Corporation of America, LabCorp).